The following is an entry in ClinVar:

NM_003331.5(TYK2):c.316A>C (p.Arg106=)

Gene: TYK2 (tyrosine kinase 2; minus strand). Cytogenetic location: 19p13.2.
Variant type: single nucleotide variant.
Coding change: c.316A>C on transcript NM_003331.5 (MANE Select); coding-DNA position 316, A replaced by C.
Protein change: p.Arg106=; no amino-acid change (arginine 106 retained).
Molecular consequence: synonymous variant.
Genome position (GRCh38, 1-based): chr19:10,368,296, T>G on the plus strand (A>C on the coding strand, the complement: TYK2 is on the minus strand). VCF-style: chr19-10368296-T-G. GRCh37 (hg19) VCF-style: chr19-10478972-T-G.
Other names: c.316A>C, p.Arg106= (NM_001385197.1, NM_001385198.1, NM_001385199.1 and 8 more transcripts).
Identifiers: ClinVar variation 1466739 (VCV001466739.8), dbSNP rs2145275203, ClinGen allele CA505381426.
Genomic context (GRCh38, chr19:10,368,296, plus strand): 5'-ACAGAGTCAGACCAGCTTCAGCACAGGAGGGGACGAGCTTTGCAAAGGTCTCCACCCACC[T>G]TATGCGGAAATATAGCATCAGGCTTGCATCTCTGGGGATCTCTAGGATGTGGTTTGGGGG-3'
Protein context (NP_003322.3, residues 96-116): DASLMLYFRI[Arg106=]FYFRNWHGMN

ClinVar aggregate classification (germline): Uncertain significance (1 of 4 stars; one submission).

Conditions:
Immunodeficiency 35 (IMD35). Also called: TYK2 DEFICIENCY; HIES WITH ATYPICAL MYCOBACTERIOSIS, AUTOSOMAL RECESSIVE; HYPER-IgE SYNDROME WITH ATYPICAL MYCOBACTERIOSIS, AUTOSOMAL RECESSIVE; Susceptibility to infection due to TYK2 deficiency. Identifiers: Orphanet 331226, MedGen C1969086, MONDO:0012682, OMIM 611521.

Allele frequency attached by ClinVar (database versions not stated): gnomAD exomes below 0.00001.
gnomAD v4.1: 3 of 1,614,162 alleles (0.00019%); highest among the groups gnomAD compares: Non-Finnish European, 0.00025%; no homozygotes.

Submission:

Labcorp Genetics (formerly Invitae), Labcorp
Classification: Uncertain significance for Immunodeficiency 35. Last evaluated: 2021-01-20. Review status: criteria provided, single submitter. Criteria: Invitae Variant Classification Sherloc (09022015). Collection method: clinical testing. Allele origin: germline.
Comment: In summary, the available evidence is currently insufficient to determine the role of this variant in disease. Therefore, it has been classified as a Variant of Uncertain Significance. Algorithms developed to predict the effect of sequence changes on RNA splicing suggest that this variant is not likely to affect RNA splicing, but this prediction has not been confirmed by published transcriptional studies. This variant has not been reported in the literature in individuals with TYK2-related conditions. This variant is not present in population databases (ExAC no frequency). This sequence change affects codon 106 of the TYK2 mRNA. It is a 'silent' change, meaning that it does not change the encoded amino acid sequence of the TYK2 protein.